The following is an entry in ClinVar:

NM_007294.4(BRCA1):c.1843TCT[1] (p.Ser616del)

Gene: BRCA1 (BRCA1 DNA repair associated; minus strand). Cytogenetic location: 17q21.31.
Variant type: Microsatellite.
Coding change: c.1843TCT[1] on transcript NM_007294.4 (MANE Select); one copy of the 3-base unit TCT starting at c.1843; the reference has two copies in a row; one copy, 3 bases deleted; also written c.1846_1848del.
Protein change: p.Ser616del; deletes serine 616.
Molecular consequence: inframe deletion. On other transcripts: inframe indel (1), intron variant (137).
Genome position (GRCh38, 1-based): chr17:43,093,683-43,093,685, AGA deleted on the plus strand (TCT on the coding strand, the reverse complement: BRCA1 is on the minus strand); deleting any 3 consecutive bases within chr17:43,093,683-43,093,688 gives the same sequence; the position shown is the placement nearest the transcript's 3' end. VCF-style (leftmost placement, unchanged base first): chr17-43093682-TAGA-T. GRCh37 (hg19) VCF-style: chr17-41245699-TAGA-T.
Other names: NP_009225.1:p.Ser616del; 1965del3; c.1846_1848delTCT (NM_007294.3); c.787+1059_787+1061delTCT (NM_007299.3); c.1846_1848del (NM_007294.4); c.1630TCT[1], p.Ser545del (NM_001407571.1, NM_001407853.1, NM_001407894.1 and 9 more transcripts); c.1843TCT[1], p.Ser616del (NM_001407581.1, NM_001407582.1, NM_001407583.1 and 30 more transcripts); c.1840TCT[1], p.Ser615del (NM_001407587.1, NM_001407590.1, NM_001407591.1 and 22 more transcripts); and 45 more; short protein forms S616del, S569del, S320del, S489del, S505del, S568del, S574del, S575del.
Identifiers: ClinVar variation 37430 (VCV000037430.86), dbSNP rs80358329, ClinGen allele CA001202.

ClinVar aggregate classification (germline): Benign. Review status: reviewed by expert panel (3 of 4 stars). 25 submissions from 25 submitters: Benign (1). 24 of the submissions do not count toward it. Last evaluated 2019-06-18.
ClinVar aggregate classification (somatic clinical impact): Tier IV - Benign/Likely benign. Review status: no assertion criteria provided (0 of 4 stars). 2 submissions from 1 submitter.

Conditions:
BRCA1-related disorder. Also called: BRCA1-related condition.
Pancreatic cancer, susceptibility to, 4. Identifiers: Orphanet 1333, MedGen C3280442, MONDO:0013685, OMIM 614320.
Familial cancer of breast. Also called: BREAST CANCER, FAMILIAL; Hereditary breast cancer; hereditary breast carcinoma. Identifiers: Orphanet 227535, MedGen C0346153, MONDO:0016419, OMIM 114480. Disease mechanism: loss of function.
Breast-ovarian cancer, familial, susceptibility to, 1 (BROVCA1). Also called: OVARIAN CANCER, SUSCEPTIBILITY TO; BRCA1 Hereditary Breast and Ovarian Cancer. Identifiers: Orphanet 145, MedGen C2676676, MONDO:0011450, OMIM 604370. Disease mechanism: loss of function.
Fanconi anemia, complementation group S (FANCS). Identifiers: MedGen C4554406, MONDO:0054748, OMIM 617883.
Breast and/or ovarian cancer. Identifiers: MedGen CN221562.
Hereditary cancer-predisposing syndrome. Also called: Neoplastic Syndromes, Hereditary; Tumor predisposition; Hereditary Cancer Syndrome; Hereditary neoplastic syndrome. Identifiers: Orphanet 140162, MedGen C0027672, MeSH D009386, MONDO:0015356.
Hereditary breast ovarian cancer syndrome. Also called: Hereditary breast and ovarian cancer; Breast and ovarian cancer; Hereditary breast and/or ovarian cancer syndrome; Hereditary breast and ovarian cancer syndrome (HBOC); Hereditary breast and ovarian cancer syndrome; BRCA1- and BRCA2-Associated Hereditary Breast and Ovarian Cancer. Identifiers: Orphanet 145, MedGen C0677776, MeSH D061325, MONDO:0003582. Disease mechanism: loss of function.
Lung cancer. Also called: Malignant tumor of lung; Lung cancer, somatic. Identifiers: MedGen C0242379, MONDO:0008903, OMIM 211980.
Adenoid cystic carcinoma. Also called: Adenocystic carcinoma. Identifiers: MedGen C0010606, MeSH D003528, MONDO:0004971.

Submissions 1 to 19 of 27:

Evidence-based Network for the Interpretation of Germline Mutant Alleles (ENIGMA)
Classification: Benign for Breast-ovarian cancer, familial, susceptibility to, 1. Last evaluated: 2019-06-18. Review status: reviewed by expert panel. Criteria: ENIGMA BRCA1/2 Classification Criteria (2017-06-29). Collection method: curation. Allele origin: germline.
Comment: IARC class based on posterior probability from multifactorial likelihood analysis, thresholds for class as per Plon et al. 2008 (PMID: 18951446). Class 1 based on posterior probability = 5.40E-06

Labcorp Genetics (formerly Invitae), Labcorp
Classification: Benign for Hereditary breast ovarian cancer syndrome. Last evaluated: 2026-01-31. Review status: criteria provided, single submitter. Criteria: Invitae Variant Classification Sherloc (09022015). Collection method: clinical testing. Allele origin: germline. Not counted in ClinVar's aggregate classification.

Dasa
Classification: Benign for Breast-ovarian cancer, familial, susceptibility to, 1. Last evaluated: 2025-11-11. Review status: criteria provided, single submitter. Criteria: DASA Assertion Criteria. Collection method: clinical testing. Allele origin: germline. Not counted in ClinVar's aggregate classification.
Comment: NM_007294.4(BRCA1):c.1846_1848del (p.Ser616del) is interpreted as benign based on a combination of available evidence, which may include population frequency, observations in unaffected individuals, intact protein function, lack of segregation with disease, in silico models, amino acid conservation, lack of disease association in case-control studies, and/or inconsistency with the known disease mechanism or impacted region. Based on the available data, this variant is classified as benign.

Mayo Clinic Laboratories, Mayo Clinic
Classification: Benign. Last evaluated: 2025-10-15. Review status: criteria provided, single submitter. Criteria: ACMG Guidelines, 2015. Collection method: clinical testing. Allele origin: germline. Observed: 2 variant alleles. Not counted in ClinVar's aggregate classification.
Comment: BA1, BS3, BP1_strong

Center for Genomic Medicine, Rigshospitalet, Copenhagen University Hospital
Classification: Benign. Last evaluated: 2025-03-04. Review status: criteria provided, single submitter. Criteria: ACMG Guidelines, 2015. Collection method: clinical testing. Allele origin: germline. Not counted in ClinVar's aggregate classification.

CeGaT Center for Human Genetics Tuebingen
Classification: Likely benign. Last evaluated: 2025-02-01. Review status: criteria provided, single submitter. Criteria: CeGaT Center For Human Genetics Tuebingen Variant Classification Criteria Version 2. Collection method: clinical testing. Allele origin: germline. Affected: yes. Observed: 3 variant alleles. Not counted in ClinVar's aggregate classification.
Comment: BRCA1: PM4:Supporting, BP1, BP4

Blueprint Genetics
Classification: Likely benign. Last evaluated: 2024-11-12. Review status: criteria provided, single submitter. Criteria: ACMG Guidelines, 2015. Collection method: clinical testing. Allele origin: germline. Not counted in ClinVar's aggregate classification.

Quest Diagnostics Nichols Institute San Juan Capistrano
Classification: Benign. Last evaluated: 2022-06-30. Review status: criteria provided, single submitter. Criteria: Quest Diagnostics criteria. Collection method: clinical testing. Allele origin: unknown. Not counted in ClinVar's aggregate classification.

National Health Laboratory Service, Universitas Academic Hospital and University of the Free State
Classification: Likely benign for Hereditary breast ovarian cancer syndrome. Last evaluated: 2022-04-19. Review status: criteria provided, single submitter. Criteria: ACMG Guidelines, 2015. Collection method: clinical testing. Allele origin: germline. Affected: yes. Observed: 6 variant alleles. Not counted in ClinVar's aggregate classification.

Fulgent Genetics
Classification: Likely benign for Familial cancer of breast; Breast-ovarian cancer, familial, susceptibility to, 1; Pancreatic cancer, susceptibility to, 4; Fanconi anemia, complementation group S. Last evaluated: 2021-08-12. Review status: criteria provided, single submitter. Criteria: ACMG Guidelines, 2015. Collection method: clinical testing. Allele origin: unknown. Not counted in ClinVar's aggregate classification.

GeneDx
Classification: Likely benign. Last evaluated: 2021-03-24. Review status: criteria provided, single submitter. Criteria: GeneDx Variant Classification Process June 2021. Collection method: clinical testing. Allele origin: germline. Affected: yes. Not counted in ClinVar's aggregate classification.
Comment: In-frame deletion of 1 amino acid in a non-repeat region; In silico analysis supports a deleterious effect on protein structure/function; This variant is associated with the following publications: (PMID: 22874498, 19941162, 30263132, 11183185, 15726418, 20104584, 22034289, 24729269, 22425665, 16267036, 29892687, 31131967)

Sema4
Classification: Likely benign for Hereditary cancer-predisposing syndrome. Last evaluated: 2021-03-04. Review status: criteria provided, single submitter. Criteria: Sema4 Curation Guidelines. Collection method: curation. Allele origin: germline. Not counted in ClinVar's aggregate classification.

Genetic Services Laboratory, University of Chicago
Classification: Likely benign. Last evaluated: 2020-09-10. Review status: criteria provided, single submitter. Criteria: ACMG Guidelines, 2015. Collection method: clinical testing. Allele origin: germline. Affected: no. Not counted in ClinVar's aggregate classification.

Mendelics
Classification: Likely benign for Breast-ovarian cancer, familial, susceptibility to, 1. Last evaluated: 2019-05-28. Review status: criteria provided, single submitter. Criteria: Mendelics Assertion Criteria 2017. Collection method: clinical testing. Allele origin: unknown. Not counted in ClinVar's aggregate classification.

CHEO Genetics Diagnostic Laboratory, Children's Hospital of Eastern Ontario
Classification: Likely benign for Breast and/or ovarian cancer. Last evaluated: 2017-08-30. Review status: criteria provided, single submitter. Criteria: ACMG Guidelines, 2015. Collection method: clinical testing. Allele origin: germline. Study: Canadian Open Genetics Repository. Not counted in ClinVar's aggregate classification.

ARUP Laboratories, Molecular Genetics and Genomics, ARUP Laboratories
Classification: Likely benign. Last evaluated: 2017-02-21. Review status: criteria provided, single submitter. Criteria: ARUP Molecular Germline Variant Investigation Process. Collection method: clinical testing. Allele origin: germline. Not counted in ClinVar's aggregate classification.

Institute for Biomarker Research, Medical Diagnostic Laboratories, L.L.C.
Classification: Likely benign for Hereditary breast and ovarian cancer syndrome(HBOC). Last evaluated: 2017-02-14. Review status: criteria provided, single submitter. Criteria: ACMG Guidelines, 2015. Collection method: clinical testing. Allele origin: germline. Not counted in ClinVar's aggregate classification.

Molecular Genetics Laboratory, University of Michigan
Classification: Benign for Breast-ovarian cancer, familial, susceptibility to, 1. Last evaluated: 2016-04-21. Review status: criteria provided, single submitter. Criteria: ACMG Guidelines, 2015. Collection method: clinical testing. Allele origin: germline. Affected: yes. Not counted in ClinVar's aggregate classification.

Color Diagnostics, LLC DBA Color Health
Classification: Likely benign for Hereditary cancer-predisposing syndrome. Last evaluated: 2014-12-16. Review status: criteria provided, single submitter. Criteria: ACMG Guidelines, 2015. Collection method: clinical testing. Allele origin: germline. Not counted in ClinVar's aggregate classification.